The following is an entry in ClinVar:

NM_000503.6(EYA1):c.900T>C (p.Asp300=)

Gene: EYA1 (EYA transcriptional coactivator and phosphatase 1; minus strand). Cytogenetic location: 8q13.3.
Variant type: single nucleotide variant.
Coding change: c.900T>C on transcript NM_000503.6 (MANE Select); coding-DNA position 900, T replaced by C.
Protein change: p.Asp300=; no amino-acid change (aspartic acid 300 retained).
Molecular consequence: synonymous variant.
Genome position (GRCh38, 1-based): chr8:71,271,824, A>G on the plus strand (T>C on the coding strand, the complement: EYA1 is on the minus strand). VCF-style: chr8-71271824-A-G. GRCh37 (hg19) VCF-style: chr8-72184059-A-G.
Other names: c.882T>C, p.Asp294= (NM_001288574.2); c.534T>C, p.Asp178= (NM_001288575.2); c.987T>C, p.Asp329= (NM_001370333.1); c.900T>C, p.Asp300= (NM_001370334.1, NM_001370335.1, NM_172058.4); c.969T>C, p.Asp323= (NM_001370336.1); c.801T>C, p.Asp267= (NM_001411797.1, NM_172060.4); c.972T>C, p.Asp324= (NM_172059.5).
Identifiers: ClinVar variation 1697037 (VCV001697037.2), dbSNP rs762588398, ClinGen allele CA4779628.
Genomic context (GRCh38, chr8:71,271,824, plus strand): 5'-ATCAGAATCTGGGGGAGGTGAAGGATTATTGTTTCTTCGGCCCCGTCCACGTGATTTCCC[A>G]TCTGAACCTCGACGCAATCGATCAGAATCTGAATCTTTAATGGGTGTTGATGGGCTGTGG-3'
Protein context (NP_000494.2, residues 290-310): SDSDRLRRGS[Asp300=]GKSRGRGRRN

ClinVar aggregate classification (germline): Uncertain significance (1 of 4 stars; one submission).

Allele frequency attached by ClinVar (database versions not stated): gnomAD exomes below 0.00001; ExAC 0.00001.
gnomAD v4.1: 1 of 1,614,174 alleles (0.000062%); highest among the groups gnomAD compares: Non-Finnish European, 0.000085%; no homozygotes.

Submission:

GeneDx
Classification: Uncertain significance. Last evaluated: 2022-01-14. Review status: criteria provided, single submitter. Criteria: GeneDx Variant Classification Process June 2021. Collection method: clinical testing. Allele origin: germline. Affected: yes.
Comment: Not observed at significant frequency in large population cohorts (gnomAD); In silico analysis supports that this variant does not alter splicing; Has not been previously published as pathogenic or benign to our knowledge